The following is an entry in ClinVar:

NM_007294.4(BRCA1):c.3308G>A (p.Cys1103Tyr)

Genes: BRCA1 (BRCA1 DNA repair associated; minus strand), LOC126862571 (BRD4-independent group 4 enhancer GRCh37_chr17:41243136-41244335; plus strand). Cytogenetic location: 17q21.31.
Variant type: single nucleotide variant.
Coding change: c.3308G>A on transcript NM_007294.4 (MANE Select); coding-DNA position 3308, G replaced by A.
Protein change: p.Cys1103Tyr; replaces cysteine 1103 with tyrosine.
Molecular consequence: missense variant. On other transcripts: intron variant (137).
Genome position (GRCh38, 1-based): chr17:43,092,223, C>T on the plus strand (G>A on the coding strand, the complement: BRCA1 is on the minus strand). VCF-style: chr17-43092223-C-T. GRCh37 (hg19) VCF-style: chr17-41244240-C-T.
Other names: c.3095G>A, p.Cys1032Tyr (NM_001407571.1, NM_001407853.1, NM_001407894.1 and 9 more transcripts); c.3308G>A, p.Cys1103Tyr (NM_001407581.1, NM_001407582.1, NM_001407583.1 and 30 more transcripts); c.3305G>A, p.Cys1102Tyr (NM_001407587.1, NM_001407610.1, NM_001407611.1 and 22 more transcripts); c.3299G>A, p.Cys1100Tyr (NM_001407646.1, NM_001407647.1); c.3185G>A, p.Cys1062Tyr (NM_001407648.1, NM_001407664.1, NM_001407665.1 and 19 more transcripts); c.3182G>A, p.Cys1061Tyr (NM_001407649.1, NM_001407670.1, NM_001407671.1 and 11 more transcripts); c.3230G>A, p.Cys1077Tyr (NM_001407653.1, NM_001407654.1, NM_001407655.1 and 4 more transcripts); c.3227G>A, p.Cys1076Tyr (NM_001407659.1, NM_001407660.1, NM_001407661.1 and 1 more transcripts); and 41 more; short protein forms C1103Y, C1056Y, C1014Y, C1077Y, C807Y, C976Y, C1033Y, C1036Y.
Identifiers: ClinVar variation 419152 (VCV000419152.16), dbSNP rs80357135, ClinGen allele CA057973.

ClinVar aggregate classification (germline): Conflicting classifications of pathogenicity. Review status: criteria provided, conflicting classifications (1 of 4 stars). 7 submissions from 7 submitters: Uncertain significance (6); Likely benign (1). Last evaluated 2024-02-01.

Conditions:
Hereditary breast ovarian cancer syndrome. Also called: Hereditary breast and ovarian cancer syndrome (HBOC); BRCA1- and BRCA2-Associated Hereditary Breast and Ovarian Cancer; Hereditary breast and/or ovarian cancer syndrome; Hereditary breast and ovarian cancer syndrome; Hereditary breast and ovarian cancer; Breast and ovarian cancer. Identifiers: Orphanet 145, MedGen C0677776, MeSH D061325, MONDO:0003582. Disease mechanism: loss of function.
Breast and/or ovarian cancer. Identifiers: MedGen CN221562.
Hereditary cancer-predisposing syndrome. Also called: Neoplastic Syndromes, Hereditary; Hereditary neoplastic syndrome; Tumor predisposition; Hereditary Cancer Syndrome. Identifiers: Orphanet 140162, MedGen C0027672, MeSH D009386, MONDO:0015356.
Breast-ovarian cancer, familial, susceptibility to, 1 (BROVCA1). Also called: BRCA1 Hereditary Breast and Ovarian Cancer; OVARIAN CANCER, SUSCEPTIBILITY TO. Identifiers: Orphanet 145, MedGen C2676676, MONDO:0011450, OMIM 604370. Disease mechanism: loss of function.

Allele frequency attached by ClinVar (database versions not stated): gnomAD exomes below 0.00001 and 0.00002; ExAC 0.00001.
gnomAD v4.1: 34 of 1,613,436 alleles (0.0021%); highest among the groups gnomAD compares: Non-Finnish European, 0.0029%; no homozygotes.

Submissions (7):

Ambry Genetics
Classification: Uncertain significance for Hereditary cancer-predisposing syndrome. Last evaluated: 2024-02-01. Review status: criteria provided, single submitter. Criteria: Ambry Variant Classification Scheme 2023. Collection method: clinical testing. Allele origin: germline.
Comment: The p.C1103Y variant (also known as c.3308G>A), located in coding exon 9 of the BRCA1 gene, results from a G to A substitution at nucleotide position 3308. The cysteine at codon 1103 is replaced by tyrosine, an amino acid with highly dissimilar properties. This amino acid position is not well conserved in available vertebrate species. In addition, the in silico prediction for this alteration is inconclusive. Since supporting evidence is limited at this time, the clinical significance of this alteration remains unclear.

Labcorp Genetics (formerly Invitae), Labcorp
Classification: Uncertain significance for Hereditary breast ovarian cancer syndrome. Last evaluated: 2023-07-28. Review status: criteria provided, single submitter. Criteria: Invitae Variant Classification Sherloc (09022015). Collection method: clinical testing. Allele origin: germline.
Comment: In summary, the available evidence is currently insufficient to determine the role of this variant in disease. Therefore, it has been classified as a Variant of Uncertain Significance. Advanced modeling of protein sequence and biophysical properties (such as structural, functional, and spatial information, amino acid conservation, physicochemical variation, residue mobility, and thermodynamic stability) performed at Invitae indicates that this missense variant is not expected to disrupt BRCA1 protein function. ClinVar contains an entry for this variant (Variation ID: 419152). This missense change has been observed in individual(s) with clinical features of BRCA1-related conditions (PMID: 21520333). This variant is present in population databases (rs80357135, gnomAD 0.0009%). This sequence change replaces cysteine, which is neutral and slightly polar, with tyrosine, which is neutral and polar, at codon 1103 of the BRCA1 protein (p.Cys1103Tyr).

All of Us Research Program, National Institutes of Health
Classification: Uncertain significance for Breast-ovarian cancer, familial, susceptibility to, 1. Last evaluated: 2023-06-28. Review status: criteria provided, single submitter. Criteria: ACMG Guidelines, 2015. Collection method: clinical testing. Allele origin: germline. Inheritance: Autosomal dominant inheritance. Observed: 1 variant allele, 1 heterozygote.
Comment: This study involves interpretation of variants in research participants for the purpose of population health screening. Participant phenotype was not available at the time of variant classification. Additional details can be found in publication PMID: 35346344, PMCID: PMC8962531

University of Washington Department of Laboratory Medicine, University of Washington
Classification: Likely benign for Hereditary cancer-predisposing syndrome. Last evaluated: 2023-03-23. Review status: criteria provided, single submitter. Criteria: Dines et al. (Genet Med. 2020). Collection method: curation. Allele origin: germline.
Comment: Missense variant in a coldspot region where missense variants are very unlikely to be pathogenic (PMID:31911673).

BRCA1 coldspot (exon 11 using historical exon numbering). Reclassification based on statistical prior probability

Quest Diagnostics Nichols Institute San Juan Capistrano
Classification: Uncertain significance. Last evaluated: 2018-07-13. Review status: criteria provided, single submitter. Criteria: Quest Diagnostics criteria. Collection method: clinical testing. Allele origin: germline.

CHEO Genetics Diagnostic Laboratory, Children's Hospital of Eastern Ontario
Classification: Uncertain significance for Breast and/or ovarian cancer. Last evaluated: 2017-12-29. Review status: criteria provided, single submitter. Criteria: ACMG Guidelines, 2015. Collection method: clinical testing. Allele origin: germline.

GeneDx
Classification: Uncertain significance. Last evaluated: 2017-01-24. Review status: criteria provided, single submitter. Criteria: GeneDx Variant Classification (06012015). Collection method: clinical testing. Allele origin: germline. Affected: yes.
Comment: This variant is denoted BRCA1 c.3308G>A at the cDNA level, p.Cys1103Tyr (C1103Y) at the protein level, and results in the change of a Cysteine to a Tyrosine (TGT>TAT). Using alternate nomenclature, this variant would be defined as BRCA1 3427G>A. This variant has not, to our knowledge, been published in the literature as pathogenic or benign. BRCA1 Cys1103Tyr was not observed in approximately 6,500 individuals of European and African American ancestry in the NHLBI Exome Sequencing Project, suggesting it is not a common benign variant in these populations. Since Cysteine and Tyrosine differ in polarity, charge, size or other properties, this is considered a non-conservative amino acid substitution. BRCA1 Cys1103Tyr occurs at a position that is not conserved and is not located in a known functional domain. In silico analyses are inconsistent regarding the effect this variant may have on protein structure and function. Based on currently available information, it is unclear whether BRCA1 Cys1103Tyr is pathogenic or benign. We consider it to be a variant of uncertain significance.

Literature cited by the submitters: PubMed 21520333 (cited by Labcorp Genetics (formerly Invitae), Labcorp).